The following is an entry in ClinVar:

ClinVar aggregate classification (germline): Uncertain significance (1 of 4 stars; one submission).

Conditions:
Cardiovascular phenotype. Identifiers: MedGen CN230736.

Submission:

Ambry Genetics
Classification: Uncertain significance for Cardiovascular phenotype. Last evaluated: 2023-10-27. Review status: criteria provided, single submitter. Criteria: Ambry Variant Classification Scheme 2023. Collection method: clinical testing. Allele origin: germline.
Comment: The p.S2744R variant (also known as c.8232C>G), located in coding exon 2 of the ZNF469 gene, results from a C to G substitution at nucleotide position 8232. The serine at codon 2744 is replaced by arginine, an amino acid with dissimilar properties. This amino acid position is conserved. In addition, this alteration is predicted to be tolerated by in silico analysis. Since supporting evidence is limited at this time, the clinical significance of this alteration remains unclear.

NM_001367624.2(ZNF469):c.8316C>G (p.Ser2772Arg)

Gene: ZNF469 (zinc finger protein 469; plus strand). Cytogenetic location: 16q24.2.
Variant type: single nucleotide variant.
Coding change: c.8316C>G on transcript NM_001367624.2 (MANE Select); coding-DNA position 8316, C replaced by G.
Protein change: p.Ser2772Arg; replaces serine 2772 with arginine.
Molecular consequence: missense variant.
Genome position (GRCh38, 1-based): chr16:88,435,786, C>G. VCF-style: chr16-88435786-C-G. GRCh37 (hg19) VCF-style: chr16-88502194-C-G.
Other names: NM_001127464.1:c.8232C>G; short protein forms S2772R.
Identifiers: ClinVar variation 3232862 (VCV003232862.1), dbSNP rs889668120, ClinGen allele CA397117344.